The following is an entry in ClinVar:

NM_000138.5(FBN1):c.7622G>A (p.Cys2541Tyr)

Gene: FBN1 (fibrillin 1; minus strand). Cytogenetic location: 15q21.1.
Variant type: single nucleotide variant.
Coding change: c.7622G>A on transcript NM_000138.5 (MANE Select); coding-DNA position 7622, G replaced by A.
Protein change: p.Cys2541Tyr; replaces cysteine 2541 with tyrosine.
Molecular consequence: missense variant.
Genome position (GRCh38, 1-based): chr15:48,421,635, C>T on the plus strand (G>A on the coding strand, the complement: FBN1 is on the minus strand). VCF-style: chr15-48421635-C-T. GRCh37 (hg19) VCF-style: chr15-48713832-C-T.
Other names: c.7622G>A, p.Cys2541Tyr (NM_001406716.1); short protein forms C2541Y.
Identifiers: ClinVar variation 2942703 (VCV002942703.3), dbSNP rs2505398008, ClinGen allele CA392325239.

ClinVar aggregate classification (germline): Likely pathogenic (1 of 4 stars; one submission).

Conditions:
Marfan syndrome (MFS). Also called: MARFAN SYNDROME, TYPE I; Marfan syndrome type 1; Marfan's syndrome; Marfan syndrome, classic; FBN1-Related Marfan Syndrome. Identifiers: Orphanet 284963, Orphanet 558, MedGen C0024796, MONDO:0007947, OMIM 154700.
Familial thoracic aortic aneurysm and aortic dissection (TAAD). Also called: Thoracic aortic aneurysms and dissections. Identifiers: Orphanet 91387, MedGen C4707243, MONDO:0019625.

Submission:

Labcorp Genetics (formerly Invitae), Labcorp
Classification: Likely pathogenic for Marfan syndrome; Familial thoracic aortic aneurysm and aortic dissection. Last evaluated: 2022-12-26. Review status: criteria provided, single submitter. Criteria: Invitae Variant Classification Sherloc (09022015). Collection method: clinical testing. Allele origin: germline.
Comment: This sequence change replaces cysteine, which is neutral and slightly polar, with tyrosine, which is neutral and polar, at codon 2541 of the FBN1 protein (p.Cys2541Tyr). In summary, the currently available evidence indicates that the variant is pathogenic, but additional data are needed to prove that conclusively. Therefore, this variant has been classified as Likely Pathogenic. This variant affects a cysteine residue in the EGF-like, TGFBP or hybrid motif domains of FBN1. Cysteine residues are believed to be involved in intramolecular disulfide bridges and have been shown to be important for FBN1 protein structure (PMID: 16905551, 19349279). In addition, missense substitutions affecting cysteine residues within these domains are significantly overrepresented among patients with Marfan syndrome (PMID: 16571647, 17701892). Advanced modeling of protein sequence and biophysical properties (such as structural, functional, and spatial information, amino acid conservation, physicochemical variation, residue mobility, and thermodynamic stability) performed at Invitae indicates that this missense variant is expected to disrupt FBN1 protein function. This missense change has been observed in individual(s) with clinical features of Marfan syndrome (PMID: 34498425; Invitae). This variant is not present in population databases (gnomAD no frequency).

Literature cited by the submitters: PubMed 16905551; PubMed 19349279; PubMed 16571647; PubMed 17701892; PubMed 34498425.